The following is an entry in ClinVar:

ClinVar aggregate classification (germline): Uncertain significance. Review status: criteria provided, multiple submitters, no conflicts (2 of 4 stars). 2 submissions from 2 submitters: Uncertain significance (2). Last evaluated 2024-05-06.

Conditions:
Regional enteritis. Also called: Enteritis, Granulomatous. Identifiers: MedGen C0678202, MeSH D003424.
Blau syndrome (BLAUS). Also called: GRANULOMATOSIS, FAMILIAL JUVENILE SYSTEMIC; GRANULOMATOSIS, FAMILIAL, BLAU TYPE; GRANULOMATOUS INFLAMMATORY ARTHRITIS, DERMATITIS, AND UVEITIS, FAMILIAL; JABS SYNDROME; ARTHROCUTANEOUVEAL GRANULOMATOSIS. Identifiers: Orphanet 90340, MedGen C5201146, MONDO:0008523, OMIM 186580.

Allele frequency attached by ClinVar (database versions not stated): gnomAD exomes 0.00001; TOPMed 0.00004; gnomAD 0.00005.
gnomAD v4.1: 18 of 1,556,848 alleles (0.0012%); highest among the groups gnomAD compares: Middle Eastern, 0.033%; no homozygotes.

Submissions (2):

Labcorp Genetics (formerly Invitae), Labcorp
Classification: Uncertain significance for Regional enteritis; Blau syndrome. Last evaluated: 2024-05-06. Review status: criteria provided, single submitter. Criteria: Invitae Variant Classification Sherloc (09022015). Collection method: clinical testing. Allele origin: germline.
Comment: This sequence change replaces glutamic acid, which is acidic and polar, with glutamine, which is neutral and polar, at codon 3 of the NOD2 protein (p.Glu3Gln). This variant is present in population databases (no rsID available, gnomAD 0.02%). This variant has not been reported in the literature in individuals affected with NOD2-related conditions. ClinVar contains an entry for this variant (Variation ID: 531610). Advanced modeling of protein sequence and biophysical properties (such as structural, functional, and spatial information, amino acid conservation, physicochemical variation, residue mobility, and thermodynamic stability) performed at Invitae indicates that this missense variant is not expected to disrupt NOD2 protein function with a negative predictive value of 95%. In summary, the available evidence is currently insufficient to determine the role of this variant in disease. Therefore, it has been classified as a Variant of Uncertain Significance.

CeGaT Center for Human Genetics Tuebingen
Classification: Uncertain significance. Last evaluated: 2023-02-01. Review status: criteria provided, single submitter. Criteria: CeGaT Center For Human Genetics Tuebingen Variant Classification Criteria Version 2. Collection method: clinical testing. Allele origin: germline. Affected: yes. Observed: 1 variant allele.
Comment: NOD2: PM2, BP4

NM_001370466.1(NOD2):c.-8-2238G>C

Gene: NOD2 (nucleotide binding oligomerization domain containing 2; plus strand). Cytogenetic location: 16q12.1.
Variant type: single nucleotide variant.
Coding change: c.-8-2238G>C on transcript NM_001370466.1 (MANE Select); 2238 bases into the intron before 8 bases upstream of the start codon, G replaced by C.
Molecular consequence: intron variant. On other transcripts: missense variant (1).
Genome position (GRCh38, 1-based): chr16:50,697,250, G>C. VCF-style: chr16-50697250-G-C. GRCh37 (hg19) VCF-style: chr16-50731161-G-C.
Other names: c.7G>C, p.Glu3Gln (NM_022162.3); short protein forms E3Q.
Identifiers: ClinVar variation 531610 (VCV000531610.31), dbSNP rs976567823, ClinGen allele CA281248056.